The following is an entry in ClinVar:

ClinVar aggregate classification (germline): Likely pathogenic (1 of 4 stars; one submission).

Conditions:
KMT2B-related disorder. Also called: KMT2B-related disorders; KMT2B-related condition. Identifiers: MedGen CN381338.

Submission:

Rady Children's Institute for Genomic Medicine, Rady Children's Hospital San Diego
Classification: Likely pathogenic for KMT2B-related disorders. Last evaluated: 2025-03-27. Review status: criteria provided, single submitter. Criteria: ACMG Guidelines, 2015. Collection method: clinical testing. Allele origin: germline. Affected: yes.
Comment: This frameshifting variant is found within the 3'-most 50 bp of the penultimate exon, therefore the resulting mRNA is predicted to escape nonsense-mediated decay. Loss-of-function variation in KMT2B is an established mechanism of disease (PMID: 33150406). This variant has not been previously reported or functionally characterized in the literature to our knowledge. The c.7769del (p.Phe2590SerfsTer24) variant is absent from the latest version of the gnomAD population database and thus is presumed to be rare. Based on parental analysis, this variant likely occurred as a de novo event. Based on the available evidence, c.7769del (p.Phe2590SerfsTer24) is classified as Likely Pathogenic.

Literature cited by the submitters: PubMed 33150406.

NM_014727.3(KMT2B):c.7769del (p.Phe2590fs)

Gene: KMT2B (lysine methyltransferase 2B; plus strand). Cytogenetic location: 19q13.12.
Variant type: Deletion.
Coding change: c.7769del on transcript NM_014727.3 (MANE Select); coding-DNA position 7769, one base deleted (T; older notation c.7769delT).
Protein change: p.Phe2590fs; shifts the reading frame from phenylalanine 2590.
Molecular consequence: frameshift variant.
Genome position (GRCh38, 1-based): chr19:35,738,088, T deleted; the last of 2 consecutive T bases (chr19:35,738,087-35,738,088); deleting either gives the same sequence. VCF-style (leftmost placement, unchanged base first): chr19-35738086-GT-G. GRCh37 (hg19) VCF-style: chr19-36228987-GT-G.
Other names: short protein forms F2590fs.
Identifiers: ClinVar variation 4814204 (VCV004814204.1).